The following is an entry in ClinVar:

GRCh38/hg38 17p13.3(chr17:234496-353077)x3

Genes: RPH3AL (rabphilin 3A like (without C2 domains)), RPH3AL-AS1 (RPH3AL antisense RNA 1), LOC112529901 (Sharpr-MPRA regulatory region 2375), LOC125177398 (Sharpr-MPRA regulatory region 15212). Cytogenetic location: 17p13.3.
Variant type: copy number gain.
Change: copy number 3 (three copies instead of two) of chr17:234,496-353,077 (118.6 kb, GRCh38 coordinates, 1-based), cytogenetic band 17p13.3.
Identifiers: ClinVar variation 60094 (VCV000060094.1).

ClinVar aggregate classification (germline): Uncertain significance (1 of 4 stars; one submission).

Submission:

ISCA site 15
Classification: Uncertain significance. Last evaluated: 2011-08-12. Review status: criteria provided, single submitter. Criteria: Kaminsky et al. (Genet Med. 2011). Collection method: clinical testing. Allele origin: de novo. Affected: yes. Observed: 1 variant allele.
Comment: Copy number variation identified through the course of routine clinical cytogenomic testing in postnatal populations. Clinical assertions have been curated as described in Kaminsky et al. 2011.